The following is an entry in ClinVar:

ClinVar aggregate classification (germline): Likely benign. Review status: reviewed by expert panel (3 of 4 stars). 2 submissions from 2 submitters: Likely benign (1). 1 of the submissions does not count toward it. Last evaluated 2017-06-29.

Conditions:
Hereditary cancer-predisposing syndrome. Also called: Tumor predisposition; Hereditary Cancer Syndrome; Hereditary neoplastic syndrome; Neoplastic Syndromes, Hereditary. Identifiers: Orphanet 140162, MedGen C0027672, MeSH D009386, MONDO:0015356.
Breast-ovarian cancer, familial, susceptibility to, 2 (BROVCA2). Also called: BRCA2 Hereditary Breast and Ovarian Cancer. Identifiers: Orphanet 145, MedGen C2675520, MONDO:0012933, OMIM 612555. Disease mechanism: loss of function.

Submissions (2):

Evidence-based Network for the Interpretation of Germline Mutant Alleles (ENIGMA)
Classification: Likely benign for Breast-ovarian cancer, familial, susceptibility to, 2. Last evaluated: 2017-06-29. Review status: reviewed by expert panel. Criteria: ENIGMA BRCA1/2 Classification Criteria (2017-06-29). Collection method: curation. Allele origin: germline.
Comment: Synonymous substitution variant, with low bioinformatic likelihood to result in a splicing aberration (Splicing prior probability 0.02).

Ambry Genetics
Classification: Likely benign for Hereditary cancer-predisposing syndrome. Last evaluated: 2021-05-17. Review status: criteria provided, single submitter. Criteria: Ambry Variant Classification Scheme 2023. Collection method: clinical testing. Allele origin: germline. Not counted in ClinVar's aggregate classification.

NM_000059.4(BRCA2):c.8214T>C (p.Ala2738=)

Gene: BRCA2 (BRCA2 DNA repair associated; plus strand). Cytogenetic location: 13q13.1.
Variant type: single nucleotide variant.
Coding change: c.8214T>C on transcript NM_000059.4 (MANE Select); coding-DNA position 8214, T replaced by C.
Protein change: p.Ala2738=; no amino-acid change (alanine 2738 retained).
Molecular consequence: synonymous variant.
Genome position (GRCh38, 1-based): chr13:32,363,416, T>C. VCF-style: chr13-32363416-T-C. GRCh37 (hg19) VCF-style: chr13-32937553-T-C.
Identifiers: ClinVar variation 184576 (VCV000184576.7), dbSNP rs786201546, ClinGen allele CA025519.